The following is an entry in ClinVar:

ClinVar aggregate classification (germline): Uncertain significance. Review status: criteria provided, multiple submitters, no conflicts (2 of 4 stars). 2 submissions from 2 submitters: Uncertain significance (2). Last evaluated 2024-05-12.

Conditions:
Mowat-Wilson syndrome (MOWS). Also called: Classic Mowat-Wilson Syndrome. Identifiers: Orphanet 2152, MedGen C1856113, MONDO:0009341, OMIM 235730.

Allele frequency attached by ClinVar (database versions not stated): gnomAD exomes below 0.00001 and 0.00001; ExAC 0.00001; gnomAD 0.00001.
gnomAD v4.1: 14 of 1,610,560 alleles (0.00087%); highest among the groups gnomAD compares: Non-Finnish European, 0.0011%; no homozygotes.

Submissions (2):

Labcorp Genetics (formerly Invitae), Labcorp
Classification: Uncertain significance for Mowat-Wilson syndrome. Last evaluated: 2024-05-12. Review status: criteria provided, single submitter. Criteria: Invitae Variant Classification Sherloc (09022015). Collection method: clinical testing. Allele origin: germline.
Comment: This sequence change replaces proline, which is neutral and non-polar, with histidine, which is basic and polar, at codon 1118 of the ZEB2 protein (p.Pro1118His). This variant is present in population databases (rs780004720, gnomAD 0.0008%). This variant has not been reported in the literature in individuals affected with ZEB2-related conditions. ClinVar contains an entry for this variant (Variation ID: 378871). Advanced modeling of protein sequence and biophysical properties (such as structural, functional, and spatial information, amino acid conservation, physicochemical variation, residue mobility, and thermodynamic stability) performed at Invitae indicates that this missense variant is expected to disrupt ZEB2 protein function with a positive predictive value of 80%. In summary, the available evidence is currently insufficient to determine the role of this variant in disease. Therefore, it has been classified as a Variant of Uncertain Significance.

GeneDx
Classification: Uncertain significance. Last evaluated: 2019-04-10. Review status: criteria provided, single submitter. Criteria: GeneDx Variant Classification Process June 2021. Collection method: clinical testing. Allele origin: germline. Affected: yes.
Comment: Has not been previously published as pathogenic or benign to our knowledge; In silico analysis, which includes protein predictors and evolutionary conservation, supports a deleterious effect

NM_014795.4(ZEB2):c.3353C>A (p.Pro1118His)

Gene: ZEB2 (zinc finger E-box binding homeobox 2; minus strand). Cytogenetic location: 2q22.3.
Variant type: single nucleotide variant.
Coding change: c.3353C>A on transcript NM_014795.4 (MANE Select); coding-DNA position 3353, C replaced by A.
Protein change: p.Pro1118His; replaces proline 1118 with histidine.
Molecular consequence: missense variant.
Genome position (GRCh38, 1-based): chr2:144,389,743, G>T on the plus strand (C>A on the coding strand, the complement: ZEB2 is on the minus strand). VCF-style: chr2-144389743-G-T. GRCh37 (hg19) VCF-style: chr2-145147310-G-T.
Other names: c.3281C>A, p.Pro1094His (NM_001171653.2); short protein forms P1118H, P1094H.
Identifiers: ClinVar variation 378871 (VCV000378871.49), dbSNP rs780004720, ClinGen allele CA1898124.